The following is an entry in ClinVar:

ClinVar aggregate classification (germline): Uncertain significance. Review status: criteria provided, multiple submitters, no conflicts (2 of 4 stars). 2 submissions from 2 submitters: Uncertain significance (2). Last evaluated 2025-04-12.

Conditions:
Arrhythmogenic right ventricular dysplasia 13. Also called: Arrhythmogenic right ventricular dysplasia, familial, 13; ARRHYTHMOGENIC RIGHT VENTRICULAR CARDIOMYOPATHY 13. Identifiers: MedGen C3810138, MONDO:0000908, OMIM 615616.

Allele frequency attached by ClinVar (database versions not stated): gnomAD exomes below 0.00001; gnomAD 0.00001.
gnomAD v4.1: 2 of 1,613,996 alleles (0.00012%); highest among the groups gnomAD compares: Non-Finnish European, 0.00017%; no homozygotes.

Submissions (2):

Ambry Genetics
Classification: Uncertain significance. Last evaluated: 2025-04-12. Review status: criteria provided, single submitter. Criteria: Ambry Variant Classification Scheme 2023. Collection method: clinical testing. Allele origin: germline.
Comment: The p.V241L variant (also known as c.721G>C), located in coding exon 5 of the CTNNA3 gene, results from a G to C substitution at nucleotide position 721. The valine at codon 241 is replaced by leucine, an amino acid with highly similar properties. This amino acid position is conserved. In addition, this alteration is predicted to be tolerated by in silico analysis. Based on the available evidence, the clinical significance of this variant remains unclear.

Labcorp Genetics (formerly Invitae), Labcorp
Classification: Uncertain significance for Arrhythmogenic right ventricular dysplasia 13. Last evaluated: 2023-08-07. Review status: criteria provided, single submitter. Criteria: Invitae Variant Classification Sherloc (09022015). Collection method: clinical testing. Allele origin: germline.
Comment: This sequence change replaces valine, which is neutral and non-polar, with leucine, which is neutral and non-polar, at codon 241 of the CTNNA3 protein (p.Val241Leu). This variant is not present in population databases (gnomAD no frequency). This variant has not been reported in the literature in individuals affected with CTNNA3-related conditions. Advanced modeling of protein sequence and biophysical properties (such as structural, functional, and spatial information, amino acid conservation, physicochemical variation, residue mobility, and thermodynamic stability) performed at Invitae indicates that this missense variant is not expected to disrupt CTNNA3 protein function. In summary, the available evidence is currently insufficient to determine the role of this variant in disease. Therefore, it has been classified as a Variant of Uncertain Significance.

NM_013266.4(CTNNA3):c.721G>C (p.Val241Leu)

Gene: CTNNA3 (catenin alpha 3; minus strand). Cytogenetic location: 10q21.3.
Variant type: single nucleotide variant.
Coding change: c.721G>C on transcript NM_013266.4 (MANE Select); coding-DNA position 721, G replaced by C.
Protein change: p.Val241Leu; replaces valine 241 with leucine.
Molecular consequence: missense variant.
Genome position (GRCh38, 1-based): chr10:67,219,729, C>G on the plus strand (G>C on the coding strand, the complement: CTNNA3 is on the minus strand). VCF-style: chr10-67219729-C-G. GRCh37 (hg19) VCF-style: chr10-68979487-C-G.
Other names: c.721G>C, p.Val241Leu (NM_001127384.3); c.757G>C, p.Val253Leu (NM_001291133.2); c.721G>C (NM_013266.2); short protein forms V241L, V253L.
Identifiers: ClinVar variation 2748962 (VCV002748962.4), dbSNP rs1864561900, ClinGen allele CA377097397.